The following is an entry in ClinVar:

NM_000088.4(COL1A1):c.3065G>A (p.Gly1022Asp)

Gene: COL1A1 (collagen type I alpha 1 chain; minus strand). Cytogenetic location: 17q21.33.
Variant type: single nucleotide variant.
Coding change: c.3065G>A on transcript NM_000088.4 (MANE Select); coding-DNA position 3065, G replaced by A.
Protein change: p.Gly1022Asp; replaces glycine 1022 with aspartic acid.
Molecular consequence: missense variant.
Genome position (GRCh38, 1-based): chr17:50,188,776, C>T on the plus strand (G>A on the coding strand, the complement: COL1A1 is on the minus strand). VCF-style: chr17-50188776-C-T. GRCh37 (hg19) VCF-style: chr17-48266137-C-T.
Other names: short protein forms G1022D.
Identifiers: ClinVar variation 4979861 (VCV004979861.1).

ClinVar aggregate classification (germline): Pathogenic (1 of 4 stars; one submission).

Conditions:
COL1A1-related disorder. Also called: COL1A1-related condition; COL1A1- related disease.

Submission:

PreventionGenetics, part of Exact Sciences
Classification: Pathogenic for COL1A1-related condition. Last evaluated: 2024-11-22. Review status: criteria provided, single submitter. Criteria: ACMG Guidelines, 2015. Collection method: clinical testing. Allele origin: germline.
Comment: The COL1A1 c.3065G>A variant is predicted to result in the amino acid substitution p.Gly1022Asp. To our knowledge, this variant has not been reported in the literature. However, this variant has been detected, de novo, in two apparently unrelated fetuses who underwent genetic testing for skeletal dysplasia (Internal Data, PreventionGenetics). This variant is absent from population databases (gnomAD). Additional missense variants affecting the same amino acid [c.3065G>C (p.Gly1022Ala, aka p.Gly844Ala), c.3065G>T (p.Gly1022Val, aka p.Gly844Val), c.3064G>A (p.Gly1022Ser, aka p.Gly844Ser)] have been reported in patients with osteogenesis imperfecta (Supplementary Table S1, Marini et al. 2007. PubMed ID: 17078022; Obafemi et al. 2008. PubMed ID: 18798308; Thiele et al. 2012. PubMed ID: 22589248, Pack et al. 1989. PubMed ID: 2511192). This variant is located in the conserved Gly-Xaa-Yaa triple helical domain where substitutions of a glycine are usually pathogenic (Residues 179-1192; Legacy nomenclature in Marini et al. 2007. PubMed ID: 17078022 indicates amino acids 1-1012; Symoens. 2014. PubMed ID: 25146735). The c.3065G>A variant is interpreted as pathogenic.